The following is an entry in ClinVar:

ClinVar aggregate classification (germline): Pathogenic (1 of 4 stars; one submission).

Submission:

Labcorp Genetics (formerly Invitae), Labcorp
Classification: Pathogenic. Last evaluated: 2025-01-15. Review status: criteria provided, single submitter. Criteria: Invitae Variant Classification Sherloc (09022015). Collection method: clinical testing. Allele origin: germline.
Comment: This sequence change affects a donor splice site in intron 12 of the GNAS gene. While this variant is not anticipated to result in nonsense mediated decay, it likely alters RNA splicing and results in a disrupted protein product. This variant is not present in population databases (gnomAD no frequency). Disruption of this splice site has been observed in individual(s) with pseudohypoparathyroidism (PMID: 29136292). In at least one individual the variant was observed to be de novo. ClinVar contains an entry for this variant (Variation ID: 2847944). Variants that disrupt the consensus splice site are a relatively common cause of aberrant splicing (PMID: 17576681, 9536098). Algorithms developed to predict the effect of sequence changes on RNA splicing suggest that this variant may disrupt the consensus splice site. This variant disrupts a region of the GNAS protein in which other variant(s) (p.Glu392Lys) have been determined to be pathogenic (PMID: 12970262, 21488135, 21525160, 24651309). This suggests that this is a clinically significant region of the protein, and that variants that disrupt it are likely to be disease-causing. For these reasons, this variant has been classified as Pathogenic.

Literature cited by the submitters: PubMed 29136292; PubMed 17576681; PubMed 9536098; PubMed 12970262; PubMed 21488135; PubMed 21525160; PubMed 24651309.

NM_000516.7(GNAS):c.1038+1G>C

Gene: GNAS (GNAS complex locus; plus strand). Cytogenetic location: 20q13.32.
Variant type: single nucleotide variant.
Coding change: c.1038+1G>C on transcript NM_000516.7 (MANE Select); the canonical splice donor site of the intron after coding-DNA position 1038, G replaced by C.
Molecular consequence: splice donor variant.
Genome position (GRCh38, 1-based): chr20:58,910,402, G>C. VCF-style: chr20-58910402-G-C. GRCh37 (hg19) VCF-style: chr20-57485457-G-C.
Other names: c.*944+1G>C (NM_016592.5); c.942+1G>C (NM_001410912.1); c.861+1G>C (NM_001309861.2, NM_001309840.2); c.*899+1G>C (NM_001077490.3); c.2967+1G>C (NM_080425.4); c.2922+1G>C (NM_001410913.1); c.1041+1G>C (NM_001077488.5); c.996+1G>C (NM_080426.4); and 1 more.
Identifiers: ClinVar variation 2847944 (VCV002847944.3), dbSNP rs113877354, ClinGen allele CA316343507.